The following is an entry in ClinVar:

ClinVar aggregate classification (germline): Uncertain significance (1 of 4 stars; one submission).

Submission:

Labcorp Genetics (formerly Invitae), Labcorp
Classification: Uncertain significance. Last evaluated: 2025-03-16. Review status: criteria provided, single submitter. Criteria: Invitae Variant Classification Sherloc (09022015). Collection method: clinical testing. Allele origin: germline.
Comment: This sequence change replaces alanine, which is neutral and non-polar, with threonine, which is neutral and polar, at codon 487 of the DEAF1 protein (p.Ala487Thr). This variant is not present in population databases (gnomAD no frequency). This variant has not been reported in the literature in individuals affected with DEAF1-related conditions. Invitae Evidence Modeling of protein sequence and biophysical properties (such as structural, functional, and spatial information, amino acid conservation, physicochemical variation, residue mobility, and thermodynamic stability) has been performed for this missense variant. However, the output from this modeling did not meet the statistical confidence thresholds required to predict the impact of this variant on DEAF1 protein function. In summary, the available evidence is currently insufficient to determine the role of this variant in disease. Therefore, it has been classified as a Variant of Uncertain Significance.

NM_021008.4(DEAF1):c.1459G>A (p.Ala487Thr)

Genes: DEAF1 (DEAF1 transcription factor; minus strand), LOC126861109 (BRD4-independent group 4 enhancer GRCh37_chr11:673917-675116; plus strand). Cytogenetic location: 11p15.5.
Variant type: single nucleotide variant.
Coding change: c.1459G>A on transcript NM_021008.4 (MANE Select); coding-DNA position 1459, G replaced by A.
Protein change: p.Ala487Thr; replaces alanine 487 with threonine.
Molecular consequence: missense variant.
Genome position (GRCh38, 1-based): chr11:674,580, C>T on the plus strand (G>A on the coding strand, the complement: DEAF1 is on the minus strand). VCF-style: chr11-674580-C-T. GRCh37 (hg19) VCF-style: chr11-674580-C-T.
Other names: c.1192G>A, p.Ala398Thr (NM_001293634.2); c.733G>A, p.Ala245Thr (NM_001367390.1, NM_001440885.1, NM_001440886.1 and 1 more transcripts); c.1459G>A, p.Ala487Thr (NM_001440883.1); c.1330G>A, p.Ala444Thr (NM_001440884.1); short protein forms A487T, A245T, A398T, A444T.
Identifiers: ClinVar variation 4746216 (VCV004746216.1).